The following is an entry in ClinVar:

ClinVar aggregate classification (germline): Uncertain significance (1 of 4 stars; one submission).

Conditions:
EAST syndrome (SESAMES). Also called: SEIZURES, SENSORINEURAL DEAFNESS, ATAXIA, IMPAIRED INTELLECTUAL DEVELOPMENT, AND ELECTROLYTE IMBALANCE. Identifiers: Orphanet 199343, MedGen C2748572, MONDO:0013005, OMIM 612780.

Submission:

Labcorp Genetics (formerly Invitae), Labcorp
Classification: Uncertain significance for EAST syndrome. Last evaluated: 2022-11-28. Review status: criteria provided, single submitter. Criteria: Invitae Variant Classification Sherloc (09022015). Collection method: clinical testing. Allele origin: germline.
Comment: This variant has not been reported in the literature in individuals affected with KCNJ10-related conditions. ClinVar contains an entry for this variant (Variation ID: 1396093). Advanced modeling of protein sequence and biophysical properties (such as structural, functional, and spatial information, amino acid conservation, physicochemical variation, residue mobility, and thermodynamic stability) performed at Invitae indicates that this missense variant is not expected to disrupt KCNJ10 protein function. In summary, the available evidence is currently insufficient to determine the role of this variant in disease. Therefore, it has been classified as a Variant of Uncertain Significance. This sequence change replaces phenylalanine, which is neutral and non-polar, with leucine, which is neutral and non-polar, at codon 160 of the KCNJ10 protein (p.Phe160Leu). This variant is not present in population databases (gnomAD no frequency).

NM_002241.5(KCNJ10):c.478T>C (p.Phe160Leu)

Gene: KCNJ10 (potassium inwardly rectifying channel subfamily J member 10; minus strand). Cytogenetic location: 1q23.2.
Variant type: single nucleotide variant.
Coding change: c.478T>C on transcript NM_002241.5 (MANE Select); coding-DNA position 478, T replaced by C.
Protein change: p.Phe160Leu; replaces phenylalanine 160 with leucine.
Molecular consequence: missense variant.
Genome position (GRCh38, 1-based): chr1:160,042,055, A>G on the plus strand (T>C on the coding strand, the complement: KCNJ10 is on the minus strand). VCF-style: chr1-160042055-A-G. GRCh37 (hg19) VCF-style: chr1-160011845-A-G.
Other names: short protein forms F160L.
Identifiers: ClinVar variation 1396093 (VCV001396093.6), dbSNP rs2101924944, ClinGen allele CA343226842.
Genomic context (GRCh38, chr1:160,042,055, plus strand): 5'-GAATGGTCTCAGCCCGCTTCTTGGGCCGGGCAATCTTCGCCAGGAAGGTACCTGTGATGA[A>G]GATTTCCAGGATGGTGGTGAGCACCAGCTGGGCAATAAGAAGCACAATGGCCAGTGGACA-3'
Protein context (NP_002232.2, residues 150-170): QLVLTTILEI[Phe160Leu]ITGTFLAKIA